The following is an entry in ClinVar:

NM_001330311.2(DVL1):c.506G>A (p.Arg169Gln)

Gene: DVL1 (dishevelled segment polarity protein 1; minus strand). Cytogenetic location: 1p36.33.
Variant type: single nucleotide variant.
Coding change: c.506G>A on transcript NM_001330311.2 (MANE Select); coding-DNA position 506, G replaced by A.
Protein change: p.Arg169Gln; replaces arginine 169 with glutamine.
Molecular consequence: missense variant.
Genome position (GRCh38, 1-based): chr1:1,341,766, C>T on the plus strand (G>A on the coding strand, the complement: DVL1 is on the minus strand). VCF-style: chr1-1341766-C-T. GRCh37 (hg19) VCF-style: chr1-1277146-C-T.
Other names: c.506G>A, p.Arg169Gln (NM_004421.3); short protein forms R169Q.
Identifiers: ClinVar variation 998498 (VCV000998498.8), dbSNP rs771316976, ClinGen allele CA520641.

ClinVar aggregate classification (germline): Uncertain significance (1 of 4 stars; one submission).

Allele frequency attached by ClinVar (database versions not stated): gnomAD 0.00001 and 0.00002; TOPMed 0.00001; ExAC 0.00003; gnomAD exomes 0.00004.
gnomAD v4.1: 26 of 1,603,422 alleles (0.0016%); highest among the groups gnomAD compares: Middle Eastern, 0.017%; no homozygotes.

Submission:

Labcorp Genetics (formerly Invitae), Labcorp
Classification: Uncertain significance. Last evaluated: 2022-12-17. Review status: criteria provided, single submitter. Criteria: Invitae Variant Classification Sherloc (09022015). Collection method: clinical testing. Allele origin: germline.
Comment: This sequence change replaces arginine, which is basic and polar, with glutamine, which is neutral and polar, at codon 169 of the DVL1 protein (p.Arg169Gln). This variant is present in population databases (rs771316976, gnomAD 0.01%). This variant has not been reported in the literature in individuals affected with DVL1-related conditions. ClinVar contains an entry for this variant (Variation ID: 998498). Advanced modeling of protein sequence and biophysical properties (such as structural, functional, and spatial information, amino acid conservation, physicochemical variation, residue mobility, and thermodynamic stability) performed at Invitae indicates that this missense variant is not expected to disrupt DVL1 protein function. In summary, the available evidence is currently insufficient to determine the role of this variant in disease. Therefore, it has been classified as a Variant of Uncertain Significance.